The following is an entry in ClinVar:

ClinVar aggregate classification (germline): Conflicting classifications of pathogenicity. Review status: criteria provided, conflicting classifications (1 of 4 stars). 3 submissions from 3 submitters: Uncertain significance (2); Likely benign (1). Last evaluated 2025-12-31.

Conditions:
Cardiomyopathy (CMYO). Also called: Cardiomyopathies. Identifiers: Orphanet 167848, MedGen C0878544, MONDO:0004994, HP:0001638. Inheritance: Various modes of inheritance.
Hypertrophic cardiomyopathy 1 (CMH1). Also called: Familial hypertrophic cardiomyopathy 1; MYH7-Related Familial Hypertrophic Cardiomyopathy. Identifiers: MedGen C3495498, MONDO:0008647, OMIM 192600.
Hypertrophic cardiomyopathy. Also called: HYPERTROPHIC MYOCARDIOPATHY. Identifiers: Orphanet 217569, MedGen C0007194, MeSH D002312, MONDO:0005045, HP:0001639.

Allele frequency attached by ClinVar (database versions not stated): ExAC 0.00001; gnomAD 0.00001; gnomAD exomes 0.00001; TOPMed 0.00001.
gnomAD v4.1: 12 of 1,593,364 alleles (0.00075%); highest among the groups gnomAD compares: Middle Eastern, 0.05%; 1 homozygote.

Submissions (3):

Labcorp Genetics (formerly Invitae), Labcorp
Classification: Uncertain significance for Hypertrophic cardiomyopathy. Last evaluated: 2025-12-31. Review status: criteria provided, single submitter. Criteria: Invitae Variant Classification Sherloc (09022015). Collection method: clinical testing. Allele origin: germline.
Comment: This sequence change replaces arginine, which is basic and polar, with tryptophan, which is neutral and slightly polar, at codon 306 of the MYBPC3 protein (p.Arg306Trp). The frequency data for this variant in the population databases is considered unreliable, as metrics indicate poor data quality at this position in the gnomAD database. This variant has not been reported in the literature in individuals affected with MYBPC3-related conditions. ClinVar contains an entry for this variant (Variation ID: 580112). An algorithm developed specifically for the MYBPC3 gene suggests that this missense change is likely to be tolerated (PMID: 21310275). This variant disrupts the p.Arg306 amino acid residue in MYBPC3. Other variant(s) that disrupt this residue have been observed in individuals with MYBPC3-related conditions (PMID: 27532257), which suggests that this may be a clinically significant amino acid residue. In summary, the available evidence is currently insufficient to determine the role of this variant in disease. Therefore, it has been classified as a Variant of Uncertain Significance.

Color Diagnostics, LLC DBA Color Health
Classification: Likely benign for Cardiomyopathy. Last evaluated: 2024-09-23. Review status: criteria provided, single submitter. Criteria: ACMG Guidelines, 2015. Collection method: clinical testing. Allele origin: germline.

Molecular Diagnostic Laboratory for Inherited Cardiovascular Disease, Montreal Heart Institute
Classification: Uncertain significance for Hypertrophic cardiomyopathy 1. Last evaluated: 2019-11-20. Review status: criteria provided, single submitter. Criteria: ACMG Guidelines, 2015. Collection method: clinical testing. Allele origin: germline. Affected: yes.

Literature cited by the submitters: PubMed 21310275 (cited by Labcorp Genetics (formerly Invitae), Labcorp); PubMed 27532257 (cited by Labcorp Genetics (formerly Invitae), Labcorp).

NM_000256.3(MYBPC3):c.916C>T (p.Arg306Trp)

Gene: MYBPC3 (myosin binding protein C3; minus strand). Cytogenetic location: 11p11.2.
Variant type: single nucleotide variant.
Coding change: c.916C>T on transcript NM_000256.3 (MANE Select); coding-DNA position 916, C replaced by T.
Protein change: p.Arg306Trp; replaces arginine 306 with tryptophan.
Molecular consequence: missense variant.
Genome position (GRCh38, 1-based): chr11:47,346,637, G>A on the plus strand (C>T on the coding strand, the complement: MYBPC3 is on the minus strand). VCF-style: chr11-47346637-G-A. GRCh37 (hg19) VCF-style: chr11-47368188-G-A.
Other names: c.916C>T, p.Arg306Trp (LRG_386t1); short protein forms R306W.
Identifiers: ClinVar variation 580112 (VCV000580112.9), dbSNP rs753884765, ClinGen allele CA057448.